The following is an entry in ClinVar:

ClinVar aggregate classification (germline): Uncertain significance. Review status: criteria provided, multiple submitters, no conflicts (2 of 4 stars). 5 submissions from 5 submitters: Uncertain significance (5). Last evaluated 2025-10-16.

Conditions:
Fanconi anemia (FA). Also called: Fanconi's anemia. Identifiers: Orphanet 84, MedGen C0015625, MeSH D005199, MONDO:0019391.
Fanconi anemia complementation group A (FANCA). Also called: Fanconi anemia, group A; FANCA-Related Fanconi Anemia. Identifiers: Orphanet 84, MedGen C3469521, MONDO:0009215, OMIM 227650.

Allele frequency attached by ClinVar (database versions not stated): gnomAD 0.00003 and 0.00004.
gnomAD v4.1: 28 of 1,613,890 alleles (0.0017%); highest among the groups gnomAD compares: East Asian, 0.0067%; no homozygotes.

Submissions (5):

Labcorp Genetics (formerly Invitae), Labcorp
Classification: Uncertain significance for Fanconi anemia. Last evaluated: 2025-10-16. Review status: criteria provided, single submitter. Criteria: Invitae Variant Classification Sherloc (09022015). Collection method: clinical testing. Allele origin: germline.
Comment: This sequence change replaces arginine, which is basic and polar, with histidine, which is basic and polar, at codon 600 of the FANCA protein (p.Arg600His). This variant is present in population databases (rs775917892, gnomAD 0.01%). This variant has not been reported in the literature in individuals affected with FANCA-related conditions. ClinVar contains an entry for this variant (Variation ID: 1692204). Invitae Evidence Modeling of protein sequence and biophysical properties (such as structural, functional, and spatial information, amino acid conservation, physicochemical variation, residue mobility, and thermodynamic stability) has been performed for this missense variant. However, the output from this modeling did not meet the statistical confidence thresholds required to predict the impact of this variant on FANCA protein function. In summary, the available evidence is currently insufficient to determine the role of this variant in disease. Therefore, it has been classified as a Variant of Uncertain Significance.

Quest Diagnostics Nichols Institute San Juan Capistrano
Classification: Uncertain significance. Last evaluated: 2025-08-08. Review status: criteria provided, single submitter. Criteria: Quest Diagnostics criteria. Collection method: clinical testing. Allele origin: unknown.
Comment: The FANCA c.1799G>A (p.Arg600His) variant has been reported in the published literature in individuals affected with leukemia (PMID: 31721781 (2019)), pancreatic cancer (PMID: 35171259 (2022)), and breast cancer (PMID: 35884425 (2022)). The frequency of this variant in the general population (Genome Aggregation Database) is uninformative in the assessment of its pathogenicity. Analysis of this variant using bioinformatics tools for the prediction of the effect of amino acid changes on protein structure and function yielded conflicting predictions that this variant is benign or damaging. Based on the available information, we are unable to determine the clinical significance of this variant.

St. Jude Molecular Pathology, St. Jude Children's Research Hospital
Classification: Uncertain significance for Fanconi anemia complementation group A. Last evaluated: 2024-09-09. Review status: criteria provided, single submitter. Criteria: St. Jude Assertion Criteria 2020. Collection method: clinical testing. Allele origin: germline.
Comment: The FANCA c.1799G>A (p.Arg600His) change has a maximum subpopulation frequency of 0.010% in gnomAD v2.1.1. The in silico tool REVEL is inconclusive about a pathogenic or benign effect of this variant on protein function, and functional studies have not been performed. This variant has been reported in one individual with T-cell acute lymphoblastic leukemia (PMID: 31721781) and in one couple with high-risk pregnancy associated with cardiovascular disease (PMID: 38978874). This variant has not been reported in individuals with Fanconi anemia. In summary, the evidence currently available is insufficient to determine the clinical significance of this variant. It has therefore been classified as of uncertain significance.

Fulgent Genetics
Classification: Uncertain significance for Fanconi anemia complementation group A. Last evaluated: 2023-12-23. Review status: criteria provided, single submitter. Criteria: ACMG Guidelines, 2015. Collection method: clinical testing. Allele origin: germline.

Sema4
Classification: Uncertain significance for Fanconi anemia. Last evaluated: 2021-06-18. Review status: criteria provided, single submitter. Criteria: Sema4 Curation Guidelines. Collection method: curation. Allele origin: germline.
Comment: The FANCA c.1799G>A (p.R600H) variant has been reported in heterozygosity in at least one individual with T-cell acute lymphoblastic leukemia (PMID: 31721781). This variant was observed in 3/25112 chromosomes in the Finnish population according to the Genome Aggregation Database (PMID: 32461654), but has not been reported in ClinVar. In silico tools suggest the impact of the variant on protein function is inconclusive, though these predictions have not been confirmed by functional studies. Based on the current evidence available, this variant is interpreted as a variant of uncertain significance.

Literature cited by the submitters: PubMed 31721781 (cited by Quest Diagnostics Nichols Institute San Juan Capistrano and Sema4); PubMed 35171259 (cited by Quest Diagnostics Nichols Institute San Juan Capistrano); PubMed 38978874 (cited by Quest Diagnostics Nichols Institute San Juan Capistrano); PubMed 35884425 (cited by Quest Diagnostics Nichols Institute San Juan Capistrano).

NM_000135.4(FANCA):c.1799G>A (p.Arg600His)

Gene: FANCA (FA complementation group A; minus strand). Cytogenetic location: 16q24.3.
Variant type: single nucleotide variant.
Coding change: c.1799G>A on transcript NM_000135.4 (MANE Select); coding-DNA position 1799, G replaced by A.
Protein change: p.Arg600His; replaces arginine 600 with histidine.
Molecular consequence: missense variant.
Genome position (GRCh38, 1-based): chr16:89,778,828, C>T on the plus strand (G>A on the coding strand, the complement: FANCA is on the minus strand). VCF-style: chr16-89778828-C-T. GRCh37 (hg19) VCF-style: chr16-89845236-C-T.
Other names: c.1799G>A (NM_000135.3); c.1799G>A, p.Arg600His (NM_001286167.3); short protein forms R600H.
Identifiers: ClinVar variation 1692204 (VCV001692204.8), dbSNP rs775917892, ClinGen allele CA286573964.